The following is an entry in ClinVar:

ClinVar aggregate classification (germline): Uncertain significance. Review status: criteria provided, multiple submitters, no conflicts (2 of 4 stars). 2 submissions from 2 submitters: Uncertain significance (2). Last evaluated 2026-09-01.

Conditions:
SPNS2-related disorder. Also called: SPNS2-related condition.

Allele frequency attached by ClinVar (database versions not stated): TOPMed 0.00012; ESP Exome Variant Server 0.00019.
gnomAD v4.1: 222 of 1,602,872 alleles (0.014%); highest among the groups gnomAD compares: Admixed American, 0.04%; 2 homozygotes.

Submissions (2):

PreventionGenetics, part of Exact Sciences
Classification: Uncertain significance for SPNS2-related condition. Last evaluated: 2026-09-01. Review status: criteria provided, single submitter. Criteria: ACMG Guidelines, 2015. Collection method: clinical testing. Allele origin: germline.
Comment: The SPNS2 c.1579G>A variant is predicted to result in the amino acid substitution p.Val527Ile. To our knowledge, this variant has not been reported in the literature. This variant is reported in 0.060% of alleles in individuals of Latino descent in gnomAD. Although we suspect that this variant may be benign, at this time, the clinical significance of this variant is uncertain due to the absence of conclusive functional and genetic evidence.

Ambry Genetics
Classification: Uncertain significance. Last evaluated: 2021-06-11. Review status: criteria provided, single submitter. Criteria: Ambry Variant Classification Scheme 2023. Collection method: clinical testing. Allele origin: germline.

NM_001124758.3(SPNS2):c.1579G>A (p.Val527Ile)

Gene: SPNS2 (SPNS lysolipid transporter 2, sphingosine-1-phosphate; plus strand). Cytogenetic location: 17p13.2.
Variant type: single nucleotide variant.
Coding change: c.1579G>A on transcript NM_001124758.3 (MANE Select); coding-DNA position 1579, G replaced by A.
Protein change: p.Val527Ile; replaces valine 527 with isoleucine.
Molecular consequence: missense variant.
Genome position (GRCh38, 1-based): chr17:4,536,398, G>A. VCF-style: chr17-4536398-G-A. GRCh37 (hg19) VCF-style: chr17-4439693-G-A.
Other names: c.1579G>A (NM_001124758.2); short protein forms V527I.
Identifiers: ClinVar variation 2346708 (VCV002346708.3), dbSNP rs201456858, ClinGen allele CA8303498.